The following is an entry in ClinVar:

NM_005431.2(XRCC2):c.120T>G (p.His40Gln)

Gene: XRCC2 (X-ray repair cross complementing 2; minus strand). Cytogenetic location: 7q36.1.
Variant type: single nucleotide variant.
Coding change: c.120T>G on transcript NM_005431.2 (MANE Select); coding-DNA position 120, T replaced by G.
Protein change: p.His40Gln; replaces histidine 40 with glutamine.
Molecular consequence: missense variant.
Genome position (GRCh38, 1-based): chr7:152,660,702, A>C on the plus strand (T>G on the coding strand, the complement: XRCC2 is on the minus strand). VCF-style: chr7-152660702-A-C. GRCh37 (hg19) VCF-style: chr7-152357787-A-C.
Other names: short protein forms H40Q.
Identifiers: ClinVar variation 1401051 (VCV001401051.11), dbSNP rs1306014974, ClinGen allele CA370199395.

ClinVar aggregate classification (germline): Uncertain significance. Review status: criteria provided, multiple submitters, no conflicts (2 of 4 stars). 2 submissions from 2 submitters: Uncertain significance (2). Last evaluated 2026-01-12.

Conditions:
Hereditary cancer-predisposing syndrome. Also called: Hereditary Cancer Syndrome; Hereditary neoplastic syndrome; Tumor predisposition; Neoplastic Syndromes, Hereditary. Identifiers: Orphanet 140162, MedGen C0027672, MeSH D009386, MONDO:0015356.

Allele frequency attached by ClinVar (database versions not stated): gnomAD exomes below 0.00001.
gnomAD v4.1: 3 of 1,608,832 alleles (0.00019%); highest among the groups gnomAD compares: South Asian, 0.0033%; no homozygotes.

Submissions (2):

Labcorp Genetics (formerly Invitae), Labcorp
Classification: Uncertain significance. Last evaluated: 2026-01-12. Review status: criteria provided, single submitter. Criteria: Invitae Variant Classification Sherloc (09022015). Collection method: clinical testing. Allele origin: germline.
Comment: This sequence change replaces histidine, which is basic and polar, with glutamine, which is neutral and polar, at codon 40 of the XRCC2 protein (p.His40Gln). This variant is present in population databases (no rsID available, gnomAD 0.003%). This variant has not been reported in the literature in individuals affected with XRCC2-related conditions. ClinVar contains an entry for this variant (Variation ID: 1401051). An algorithm developed to predict the effect of missense changes on protein structure and function (PolyPhen-2) suggests that this variant is likely to be tolerated. In summary, the available evidence is currently insufficient to determine the role of this variant in disease. Therefore, it has been classified as a Variant of Uncertain Significance.

Ambry Genetics
Classification: Uncertain significance for Hereditary cancer-predisposing syndrome. Last evaluated: 2024-10-01. Review status: criteria provided, single submitter. Criteria: Ambry Variant Classification Scheme 2023. Collection method: clinical testing. Allele origin: germline.